The following is an entry in ClinVar:

NM_001378418.1(TCF20):c.1407T>G (p.Thr469=)

Gene: TCF20 (transcription factor 20; minus strand). Cytogenetic location: 22q13.2.
Variant type: single nucleotide variant.
Coding change: c.1407T>G on transcript NM_001378418.1 (MANE Select); coding-DNA position 1407, T replaced by G.
Protein change: p.Thr469=; no amino-acid change (threonine 469 retained).
Molecular consequence: synonymous variant.
Genome position (GRCh38, 1-based): chr22:42,213,899, A>C on the plus strand (T>G on the coding strand, the complement: TCF20 is on the minus strand). VCF-style: chr22-42213899-A-C. GRCh37 (hg19) VCF-style: chr22-42609905-A-C.
Other names: c.1407T>G (NM_005650.3); c.1407T>G, p.Thr469= (NM_005650.4, NM_181492.3).
Identifiers: ClinVar variation 2178018 (VCV002178018.23), dbSNP rs139918516, ClinGen allele CA10267190.

ClinVar aggregate classification (germline): Likely benign. Review status: criteria provided, multiple submitters, no conflicts (2 of 4 stars). 3 submissions from 3 submitters: Likely benign (3). Last evaluated 2025-10-19.

Conditions:
TCF20-related disorder. Also called: TCF20-related condition.

Allele frequency attached by ClinVar (database versions not stated): gnomAD 0.00008; TOPMed 0.00008; ESP Exome Variant Server 0.00015.
gnomAD v4.1: 177 of 1,614,054 alleles (0.011%); highest among the groups gnomAD compares: Non-Finnish European, 0.014%; no homozygotes.

Submissions (3):

Labcorp Genetics (formerly Invitae), Labcorp
Classification: Likely benign. Last evaluated: 2025-10-19. Review status: criteria provided, single submitter. Criteria: Invitae Variant Classification Sherloc (09022015). Collection method: clinical testing. Allele origin: germline.

PreventionGenetics, part of Exact Sciences
Classification: Likely benign for TCF20-related condition. Last evaluated: 2024-11-03. Review status: criteria provided, single submitter. Criteria: ACMG Guidelines, 2015. Collection method: clinical testing. Allele origin: germline.
Comment: This variant is classified as likely benign based on ACMG/AMP sequence variant interpretation guidelines (Richards et al. 2015 PMID: 25741868, with internal and published modifications).

CeGaT Center for Human Genetics Tuebingen
Classification: Likely benign. Last evaluated: 2024-06-01. Review status: criteria provided, single submitter. Criteria: CeGaT Center For Human Genetics Tuebingen Variant Classification Criteria Version 2. Collection method: clinical testing. Allele origin: germline. Affected: yes. Observed: 1 variant allele.
Comment: TCF20: BP4, BP7